The following is an entry in ClinVar:

NM_022098.4(XPNPEP3):c.411G>A (p.Gln137=)

Gene: XPNPEP3 (X-prolyl aminopeptidase 3; plus strand). Cytogenetic location: 22q13.2.
Variant type: single nucleotide variant.
Coding change: c.411G>A on transcript NM_022098.4 (MANE Select); coding-DNA position 411, G replaced by A.
Protein change: p.Gln137=; no amino-acid change (glutamine 137 retained).
Molecular consequence: synonymous variant.
Genome position (GRCh38, 1-based): chr22:40,881,999, G>A. VCF-style: chr22-40881999-G-A. GRCh37 (hg19) VCF-style: chr22-41278003-G-A.
Identifiers: ClinVar variation 2653193 (VCV002653193.24), dbSNP rs2517969584, ClinGen allele CA514792302.

ClinVar aggregate classification (germline): Likely benign (1 of 4 stars; one submission).

Allele frequency attached by ClinVar (database versions not stated): gnomAD exomes below 0.00001.
gnomAD v4.1: 3 of 1,614,020 alleles (0.00019%); highest among the groups gnomAD compares: Non-Finnish European, 0.00025%; no homozygotes.

Submission:

CeGaT Center for Human Genetics Tuebingen
Classification: Likely benign. Last evaluated: 2022-09-01. Review status: criteria provided, single submitter. Criteria: CeGaT Center For Human Genetics Tuebingen Variant Classification Criteria Version 2. Collection method: clinical testing. Allele origin: germline. Affected: yes. Observed: 1 variant allele.
Comment: XPNPEP3: PM2:Supporting, BP4, BP7